The following is an entry in ClinVar:

ClinVar aggregate classification (germline): Uncertain significance (1 of 4 stars; one submission).

Submission:

GeneDx
Classification: Uncertain significance. Last evaluated: 2023-02-14. Review status: criteria provided, single submitter. Criteria: GeneDx Variant Classification Process June 2021. Collection method: clinical testing. Allele origin: germline. Affected: yes.
Comment: Not observed at significant frequency in large population cohorts (gnomAD); In silico analysis supports that this missense variant has a deleterious effect on protein structure/function; Has not been previously published as pathogenic or benign to our knowledge

NM_005909.5(MAP1B):c.369G>C (p.Glu123Asp)

Gene: MAP1B (microtubule associated protein 1B; plus strand). Cytogenetic location: 5q13.2.
Variant type: single nucleotide variant.
Coding change: c.369G>C on transcript NM_005909.5 (MANE Select); coding-DNA position 369, G replaced by C.
Protein change: p.Glu123Asp; replaces glutamic acid 123 with aspartic acid.
Molecular consequence: missense variant. On other transcripts: 5 prime UTR variant (1).
Genome position (GRCh38, 1-based): chr5:72,183,825, G>C. VCF-style: chr5-72183825-G-C. GRCh37 (hg19) VCF-style: chr5-71479652-G-C.
Other names: c.-10G>C (NM_001324255.2); short protein forms E123D.
Identifiers: ClinVar variation 2575873 (VCV002575873.1), dbSNP rs1367056660, ClinGen allele CA359988306.